The following is an entry in ClinVar:

NM_000341.4(SLC3A1):c.1332+2T>C

Gene: SLC3A1 (solute carrier family 3 member 1; plus strand). Cytogenetic location: 2p21.
Variant type: single nucleotide variant.
Coding change: c.1332+2T>C on transcript NM_000341.4 (MANE Select); the canonical splice donor site of the intron after coding-DNA position 1332, T replaced by C.
Molecular consequence: splice donor variant.
Genome position (GRCh38, 1-based): chr2:44,304,340, T>C. VCF-style: chr2-44304340-T-C. GRCh37 (hg19) VCF-style: chr2-44531479-T-C.
Identifiers: ClinVar variation 1690683 (VCV001690683.2), dbSNP rs758627758, ClinGen allele CA346683238.

ClinVar aggregate classification (germline): Likely pathogenic (1 of 4 stars; one submission).

Submission:

Laboratorio de Genetica e Diagnostico Molecular, Hospital Israelita Albert Einstein
Classification: Likely pathogenic. Last evaluated: 2019-09-18. Review status: criteria provided, single submitter. Criteria: ACMG Guidelines, 2015. Collection method: clinical testing. Allele origin: germline. Affected: yes.
Comment: ACMG classification criteria: PVS1, PM2